The following is an entry in ClinVar:

NM_001122769.3(LCA5):c.191-3T>A

Gene: LCA5 (lebercilin LCA5; minus strand). Cytogenetic location: 6q14.1.
Variant type: single nucleotide variant.
Coding change: c.191-3T>A on transcript NM_001122769.3 (MANE Select); 3 bases into the intron before coding-DNA position 191, T replaced by A.
Molecular consequence: intron variant.
Genome position (GRCh38, 1-based): chr6:79,513,744, A>T on the plus strand (T>A on the coding strand, the complement: LCA5 is on the minus strand). VCF-style: chr6-79513744-A-T. GRCh37 (hg19) VCF-style: chr6-80223461-A-T.
Other names: c.191-3T>A (NM_181714.4).
Identifiers: ClinVar variation 358107 (VCV000358107.11), dbSNP rs886061790, ClinGen allele CA10627746.

ClinVar aggregate classification (germline): Uncertain significance. Review status: criteria provided, multiple submitters, no conflicts (2 of 4 stars). 4 submissions from 4 submitters: Uncertain significance (4). Last evaluated 2024-05-20.

Conditions:
Leber congenital amaurosis 5 (LCA5). Also called: Amaurosis congenita of Leber, type 5. Identifiers: Orphanet 65, MedGen C1858301, MONDO:0011473, OMIM 604537.
LCA5-related retinopathy. Also called: LCA5 retinopathy. Identifiers: MedGen CN305595, MONDO:0100445.

Allele frequency attached by ClinVar (database versions not stated): gnomAD exomes below 0.00001; gnomAD 0.00001; TOPMed 0.00008.
gnomAD v4.1: 9 of 1,612,554 alleles (0.00056%); highest among the groups gnomAD compares: Admixed American, 0.005%; no homozygotes.

Submissions (4):

Blueprint Genetics
Classification: Uncertain significance. Last evaluated: 2024-05-20. Review status: criteria provided, single submitter. Criteria: ACMG Guidelines, 2015. Collection method: clinical testing. Allele origin: germline.

Department of Pathology and Laboratory Medicine, Sinai Health System
Classification: Uncertain significance for LCA5-related retinopathy. Last evaluated: 2022-12-05. Review status: criteria provided, single submitter. Criteria: ACMG Guidelines, 2015. Collection method: research. Allele origin: germline.

Labcorp Genetics (formerly Invitae), Labcorp
Classification: Uncertain significance. Last evaluated: 2022-08-05. Review status: criteria provided, single submitter. Criteria: Invitae Variant Classification Sherloc (09022015). Collection method: clinical testing. Allele origin: germline.
Comment: This sequence change falls in intron 3 of the LCA5 gene. It does not directly change the encoded amino acid sequence of the LCA5 protein. It affects a nucleotide within the consensus splice site. This variant is not present in population databases (gnomAD no frequency). This variant has not been reported in the literature in individuals affected with LCA5-related conditions. ClinVar contains an entry for this variant (Variation ID: 358107). Variants that disrupt the consensus splice site are a relatively common cause of aberrant splicing (PMID: 17576681, 9536098). Algorithms developed to predict the effect of sequence changes on RNA splicing suggest that this variant is not likely to affect RNA splicing. In summary, the available evidence is currently insufficient to determine the role of this variant in disease. Therefore, it has been classified as a Variant of Uncertain Significance.

Illumina Laboratory Services, Illumina
Classification: Uncertain significance for Leber congenital amaurosis 5. Last evaluated: 2018-01-13. Review status: criteria provided, single submitter. Criteria: ICSL Variant Classification Criteria 13 December 2019. Collection method: clinical testing. Allele origin: germline.

Literature cited by the submitters: PubMed 17576681 (cited by Labcorp Genetics (formerly Invitae), Labcorp); PubMed 9536098 (cited by Labcorp Genetics (formerly Invitae), Labcorp).